The following is an entry in ClinVar:

NM_015135.3(NUP205):c.5C>G (p.Ala2Gly)

Gene: NUP205 (nucleoporin 205; plus strand). Cytogenetic location: 7q33.
Variant type: single nucleotide variant.
Coding change: c.5C>G on transcript NM_015135.3 (MANE Select); coding-DNA position 5, C replaced by G.
Protein change: p.Ala2Gly; replaces alanine 2 with glycine.
Molecular consequence: missense variant. On other transcripts: 5 prime UTR variant (1).
Genome position (GRCh38, 1-based): chr7:135,557,949, C>G. VCF-style: chr7-135557949-C-G. GRCh37 (hg19) VCF-style: chr7-135242697-C-G.
Other names: c.-1081C>G (NM_001329434.2); short protein forms A2G.
Identifiers: ClinVar variation 2149471 (VCV002149471.4), dbSNP rs769065044, ClinGen allele CA4497722.

ClinVar aggregate classification (germline): Uncertain significance (1 of 4 stars; one submission).

Allele frequency attached by ClinVar (database versions not stated): TOPMed 0.00001.
gnomAD v4.1: 6 of 1,613,610 alleles (0.00037%); highest among the groups gnomAD compares: Non-Finnish European, 0.00051%; no homozygotes.

Submission:

Labcorp Genetics (formerly Invitae), Labcorp
Classification: Uncertain significance. Last evaluated: 2023-11-27. Review status: criteria provided, single submitter. Criteria: Invitae Variant Classification Sherloc (09022015). Collection method: clinical testing. Allele origin: germline.
Comment: This sequence change replaces alanine, which is neutral and non-polar, with glycine, which is neutral and non-polar, at codon 2 of the NUP205 protein (p.Ala2Gly). This variant is present in population databases (rs769065044, gnomAD 0.0009%). This variant has not been reported in the literature in individuals affected with NUP205-related conditions. ClinVar contains an entry for this variant (Variation ID: 2149471). An algorithm developed to predict the effect of missense changes on protein structure and function (PolyPhen-2) suggests that this variant is likely to be disruptive. In summary, the available evidence is currently insufficient to determine the role of this variant in disease. Therefore, it has been classified as a Variant of Uncertain Significance.